The following is an entry in ClinVar:

NM_020975.6(RET):c.2967G>C (p.Lys989Asn)

Gene: RET (ret proto-oncogene; plus strand). Cytogenetic location: 10q11.21.
Variant type: single nucleotide variant.
Coding change: c.2967G>C on transcript NM_020975.6 (MANE Select); coding-DNA position 2967, G replaced by C.
Protein change: p.Lys989Asn; replaces lysine 989 with asparagine.
Molecular consequence: missense variant.
Genome position (GRCh38, 1-based): chr10:43,124,910, G>C. VCF-style: chr10-43124910-G-C. GRCh37 (hg19) VCF-style: chr10-43620358-G-C.
Other names: c.2205G>C, p.Lys735Asn (NM_001355216.2); c.2967G>C, p.Lys989Asn (NM_001406743.1, NM_001406744.1, NM_001406759.1 and 2 more transcripts); c.2838G>C, p.Lys946Asn (NM_001406761.1, NM_001406762.1, NM_001406764.1); c.2832G>C, p.Lys944Asn (NM_001406763.1, NM_001406765.1); c.2679G>C, p.Lys893Asn (NM_001406766.1, NM_001406767.1, NM_001406770.1); c.2703G>C, p.Lys901Asn (NM_001406768.1); c.2571G>C, p.Lys857Asn (NM_001406769.1, NM_001406772.1); c.2529G>C, p.Lys843Asn (NM_001406771.1, NM_001406773.1); and 10 more; short protein forms K506N, K554N, K594N, K645N, K647N, K650N, K659N, K690N.
Identifiers: ClinVar variation 4863257 (VCV004863257.1).

ClinVar aggregate classification (germline): Uncertain significance (1 of 4 stars; one submission).

Conditions:
Hereditary cancer-predisposing syndrome. Also called: Neoplastic Syndromes, Hereditary; Tumor predisposition; Hereditary Cancer Syndrome; Hereditary neoplastic syndrome. Identifiers: Orphanet 140162, MedGen C0027672, MeSH D009386, MONDO:0015356.

Submission:

Ambry Genetics
Classification: Uncertain significance for Hereditary cancer-predisposing syndrome. Last evaluated: 2026-04-14. Review status: criteria provided, single submitter. Criteria: Ambry Variant Classification Scheme 2023. Collection method: clinical testing. Allele origin: germline.
Comment: The p.K989N variant (also known as c.2967G>C), located in coding exon 18 of the RET gene, results from a G to C substitution at nucleotide position 2967. The lysine at codon 989 is replaced by asparagine, an amino acid with similar properties. This amino acid position is highly conserved in available vertebrate species. In addition, this alteration is predicted to be tolerated by in silico analysis. Based on the available evidence, the clinical significance of this variant remains unclear.